The following is an entry in ClinVar:

NM_001134407.3(GRIN2A):c.4059G>C (p.Arg1353Ser)

Gene: GRIN2A (glutamate ionotropic receptor NMDA type subunit 2A; minus strand). Cytogenetic location: 16p13.2.
Variant type: single nucleotide variant.
Coding change: c.4059G>C on transcript NM_001134407.3 (MANE Select); coding-DNA position 4059, G replaced by C.
Protein change: p.Arg1353Ser; replaces arginine 1353 with serine.
Molecular consequence: missense variant. On other transcripts: intron variant (1).
Genome position (GRCh38, 1-based): chr16:9,763,485, C>G on the plus strand (G>C on the coding strand, the complement: GRIN2A is on the minus strand). VCF-style: chr16-9763485-C-G. GRCh37 (hg19) VCF-style: chr16-9857342-C-G.
Other names: c.4059G>C, p.Arg1353Ser (NM_000833.5); c.3773-57G>C (NM_001134408.2); short protein forms R1353S.
Identifiers: ClinVar variation 4802905 (VCV004802905.1).

ClinVar aggregate classification (germline): Uncertain significance (1 of 4 stars; one submission).

Conditions:
Landau-Kleffner syndrome (FESD). Also called: EPILEPSY, FOCAL, WITH SPEECH DISORDER AND WITH OR WITHOUT MENTAL RETARDATION; APHASIA, ACQUIRED, WITH EPILEPSY. Identifiers: Orphanet 1945, Orphanet 725, Orphanet 98818, MedGen C0282512, MONDO:0009509, OMIM 245570.

gnomAD v4.1: 2 of 1,613,738 alleles (0.00012%); highest among the groups gnomAD compares: Non-Finnish European, 0.00017%; no homozygotes.

Submission:

Labcorp Genetics (formerly Invitae), Labcorp
Classification: Uncertain significance for Landau-Kleffner syndrome. Last evaluated: 2025-12-19. Review status: criteria provided, single submitter. Criteria: Invitae Variant Classification Sherloc (09022015). Collection method: clinical testing. Allele origin: germline.
Comment: This sequence change replaces arginine, which is basic and polar, with serine, which is neutral and polar, at codon 1353 of the GRIN2A protein (p.Arg1353Ser). This variant is present in population databases (no rsID available, gnomAD 0.01%). This variant has not been reported in the literature in individuals affected with GRIN2A-related conditions. Invitae Evidence Modeling of protein sequence and biophysical properties (such as structural, functional, and spatial information, amino acid conservation, physicochemical variation, residue mobility, and thermodynamic stability) indicates that this missense variant is not expected to disrupt GRIN2A protein function with a negative predictive value of 95%. In summary, the available evidence is currently insufficient to determine the role of this variant in disease. Therefore, it has been classified as a Variant of Uncertain Significance.